The following is an entry in ClinVar:

NM_004456.5(EZH2):c.626A>T (p.Asp209Val)

Gene: EZH2 (enhancer of zeste 2 polycomb repressive complex 2 subunit; minus strand). Cytogenetic location: 7q36.1.
Variant type: single nucleotide variant.
Coding change: c.626A>T on transcript NM_004456.5 (MANE Select); coding-DNA position 626, A replaced by T.
Protein change: p.Asp209Val; replaces aspartic acid 209 with valine.
Molecular consequence: missense variant.
Genome position (GRCh38, 1-based): chr7:148,827,266, T>A on the plus strand (A>T on the coding strand, the complement: EZH2 is on the minus strand). VCF-style: chr7-148827266-T-A. GRCh37 (hg19) VCF-style: chr7-148524358-T-A.
Other names: c.626A>T, p.Asp209Val (NM_001203247.2); c.599A>T, p.Asp200Val (NM_001203248.2, NM_001203249.2); c.509A>T, p.Asp170Val (NM_152998.3); short protein forms D209V, D170V, D200V.
Identifiers: ClinVar variation 1362621 (VCV001362621.8), dbSNP rs1807983236, ClinGen allele CA369719909.

ClinVar aggregate classification (germline): Uncertain significance (1 of 4 stars; one submission).

Conditions:
Weaver syndrome (WVS). Also called: Weaver Smith syndrome; Overgrowth syndrome with accelerated skeletal maturation, unusual facies, and camptodactyly. Identifiers: Orphanet 3447, MedGen C0265210, MONDO:0010193, OMIM 277590.

Allele frequency attached by ClinVar (database versions not stated): TOPMed below 0.00001.

Submission:

Labcorp Genetics (formerly Invitae), Labcorp
Classification: Uncertain significance for Weaver syndrome. Last evaluated: 2024-10-24. Review status: criteria provided, single submitter. Criteria: Invitae Variant Classification Sherloc (09022015). Collection method: clinical testing. Allele origin: germline.
Comment: This sequence change replaces aspartic acid, which is acidic and polar, with valine, which is neutral and non-polar, at codon 209 of the EZH2 protein (p.Asp209Val). This variant is not present in population databases (gnomAD no frequency). This variant has not been reported in the literature in individuals affected with EZH2-related conditions. ClinVar contains an entry for this variant (Variation ID: 1362621). An algorithm developed to predict the effect of missense changes on protein structure and function (PolyPhen-2) suggests that this variant is likely to be tolerated. In summary, the available evidence is currently insufficient to determine the role of this variant in disease. Therefore, it has been classified as a Variant of Uncertain Significance.